The following is an entry in ClinVar:

NM_000540.3(RYR1):c.10781G>A (p.Arg3594His)

Gene: RYR1 (ryanodine receptor 1; plus strand). Cytogenetic location: 19q13.2.
Variant type: single nucleotide variant.
Coding change: c.10781G>A on transcript NM_000540.3 (MANE Select); coding-DNA position 10781, G replaced by A.
Protein change: p.Arg3594His; replaces arginine 3594 with histidine.
Molecular consequence: missense variant.
Genome position (GRCh38, 1-based): chr19:38,527,741, G>A. VCF-style: chr19-38527741-G-A. GRCh37 (hg19) VCF-style: chr19-39018381-G-A.
Other names: c.10766G>A, p.Arg3589His (NM_001042723.2); short protein forms R3589H, R3594H.
Identifiers: ClinVar variation 3074750 (VCV003074750.1), dbSNP rs1971533168, ClinGen allele CA405647080.
Genomic context (GRCh38, chr19:38,527,741, plus strand): 5'-CTCTGTACCGGGGCGTCCCGGGTCGCGAGGAGGACGCCGATGACCCCGAGAAAATCGTGC[G>A]CAGAGTCCAGGAAGTGTCAGCCGTGCTCTACTACCTGGACCAGGTGGGTGGGGCCGGAGG-3'
Protein context (NP_000531.2, residues 3584-3604): EDADDPEKIV[Arg3594His]RVQEVSAVLY

ClinVar aggregate classification (germline): Uncertain significance (1 of 4 stars; one submission).

Conditions:
Malignant hyperthermia, susceptibility to, 1 (MHS1). Also called: Anesthesia related hyperthermia; Malignant hyperpyrexia; Fulminating hyperpyrexia; Pharmacogenic myopathy; RYR1-Related Malignant Hyperthermia Susceptibility; Malignant hyperthermia suceptibility 1. Identifiers: Orphanet 423, MedGen C2930980, MONDO:0007783, OMIM 145600.

gnomAD v4.1: 1 of 1,614,048 alleles (0.000062%); highest among the groups gnomAD compares: East Asian, 0.0022%; no homozygotes.

Submission:

All of Us Research Program, National Institutes of Health
Classification: Uncertain significance for Malignant hyperthermia, susceptibility to, 1. Last evaluated: 2023-12-13. Review status: criteria provided, single submitter. Criteria: ACMG Guidelines, 2015. Collection method: clinical testing. Allele origin: germline. Inheritance: Autosomal dominant inheritance. Observed: 1 variant allele, 1 heterozygote.
Comment: This missense variant replaces arginine with histidine at codon 3594 of the RYR1 protein. Computational prediction tool indicates that this variant may have a neutral impact on protein structure and function. To our knowledge, functional studies have not been reported for this variant. This variant has not been reported in individuals affected with RYR1-related disorders in the literature. This variant has not been identified in the general population by the Genome Aggregation Database (gnomAD). The available evidence is insufficient to determine the role of this variant in disease conclusively. Therefore, this variant is classified as a Variant of Uncertain Significance.

This study involves interpretation of variants in research participants for the purpose of population health screening. Participant phenotype was not available at the time of variant classification. Additional details can be found in publication PMID: 35346344, PMCID: PMC8962531